The following is an entry in ClinVar:

ClinVar aggregate classification (germline): Uncertain significance (1 of 4 stars; one submission).

Conditions:
Junctional epidermolysis bullosa. Identifiers: Orphanet 305, MedGen C0079301, MONDO:0017612.

Submission:

Myriad Genetics, Inc.
Classification: Uncertain significance for Junctional epidermolysis bullosa. Last evaluated: 2025-09-25. Review status: criteria provided, single submitter. Criteria: Myriad Autosomal Dominant, Autosomal Recessive and X-Linked Classification Criteria (2023). Collection method: clinical testing. Allele origin: unknown.
Comment: NM_005562.2(LAMC2):c.2071_2082dup12(Y691_R694dup) is an in-frame insertion classified as a variant of uncertain significance in the context of junctional epidermolysis bullosa, LAMC2-related. Y691_R694dup has not been observed in cases with relevant disease. Relevant functional assessments of this variant are not available in the literature. Y691_R694dup has not been observed in referenced population frequency databases. In summary, there is insufficient evidence to classify NM_005562.2(LAMC2):c.2071_2082dup12(Y691_R694dup) as pathogenic or benign. Please note: this variant was assessed in the context of healthy population screening.

NM_005562.3(LAMC2):c.2071_2082dup (p.Arg694_Leu695insTyrGlnSerArg)

Gene: LAMC2 (laminin subunit gamma 2; plus strand). Cytogenetic location: 1q25.3.
Variant type: Duplication.
Coding change: c.2071_2082dup on transcript NM_005562.3 (MANE Select); coding-DNA positions 2071 to 2082, 12 bases duplicated (TACCAGAGCCGC).
Protein change: p.Arg694_Leu695insTyrGlnSerArg.
Molecular consequence: inframe insertion.
Genome position (GRCh38, 1-based): chr1:183,232,708-183,232,719, TACCAGAGCCGC duplicated; duplicating any 12 consecutive bases within chr1:183,232,706-183,232,719 gives the same sequence; the c. name uses the placement nearest the transcript's 3' end. VCF-style (leftmost placement, unchanged base first): chr1-183232705-A-AGCTACCAGAGCC. GRCh37 (hg19) VCF-style: chr1-183201840-A-AGCTACCAGAGCC.
Other names: c.2071_2082dup, p.Arg694_Leu695insTyrGlnSerArg (NM_018891.3).
Identifiers: ClinVar variation 5003622 (VCV005003622.1).
Genomic context (GRCh38, chr1:183,232,705, plus strand): 5'-CGTTCAGGTGCTAGCAGATCCCTTGGTCTCCAGTTGGCCAAGGTGAGGAGCCAAGAGAAC[A>AGCTACCAGAGCC]GCTACCAGAGCCGCCTGGATGACCTCAAGATGACTGTGGAAAGAGTTCGGGCTCTGGGAA-3'